The following is an entry in ClinVar:

ClinVar aggregate classification (germline): Uncertain significance. Review status: criteria provided, multiple submitters, no conflicts (2 of 4 stars). 2 submissions from 2 submitters: Uncertain significance (2). Last evaluated 2024-09-10.

Conditions:
Pyridoxine-dependent epilepsy (EPEO4). Also called: Pyridoxine-Dependent Seizures; Pyridoxine-Dependent Epilepsy - ALDH7A1; PYRIDOXINE DEPENDENCY WITH SEIZURES; EPILEPSY, EARLY-ONSET, 4, VITAMIN B6-DEPENDENT. Identifiers: Orphanet 3006, MedGen C1849508, MONDO:0009945, OMIM 266100. Disease mechanism: loss of function.

Submissions (2):

GeneDx
Classification: Uncertain significance. Last evaluated: 2024-09-10. Review status: criteria provided, single submitter. Criteria: GeneDx Variant Classification Process June 2021. Collection method: clinical testing. Allele origin: germline. Affected: yes.
Comment: Not observed at significant frequency in large population cohorts (gnomAD); In silico analysis supports that this missense variant has a deleterious effect on protein structure/function; Has not been previously published as pathogenic or benign to our knowledge

Labcorp Genetics (formerly Invitae), Labcorp
Classification: Uncertain significance for Pyridoxine-dependent epilepsy. Last evaluated: 2021-09-01. Review status: criteria provided, single submitter. Criteria: Invitae Variant Classification Sherloc (09022015). Collection method: clinical testing. Allele origin: germline.

NM_001182.5(ALDH7A1):c.796C>G (p.Arg266Gly)

Gene: ALDH7A1 (aldehyde dehydrogenase 7 family member A1; minus strand). Cytogenetic location: 5q23.2.
Variant type: single nucleotide variant.
Coding change: c.796C>G on transcript NM_001182.5 (MANE Select); coding-DNA position 796, C replaced by G.
Protein change: p.Arg266Gly; replaces arginine 266 with glycine.
Molecular consequence: missense variant.
Genome position (GRCh38, 1-based): chr5:126,568,334, G>C on the plus strand (C>G on the coding strand, the complement: ALDH7A1 is on the minus strand). VCF-style: chr5-126568334-G-C. GRCh37 (hg19) VCF-style: chr5-125904026-G-C.
Other names: c.712C>G, p.Arg238Gly (NM_001201377.2); c.796C>G, p.Arg266Gly (NM_001202404.2); c.796C>G (NM_001182.4); short protein forms R238G, R266G.
Identifiers: ClinVar variation 1508268 (VCV001508268.4), dbSNP rs1270423610, ClinGen allele CA360729453.